The following is an entry in ClinVar:

ClinVar aggregate classification (germline): Uncertain significance (1 of 4 stars; one submission).

Conditions:
PKD1-related disorder. Also called: PKD1-related condition.

Submission:

PreventionGenetics, part of Exact Sciences
Classification: Uncertain significance for PKD1-related condition. Last evaluated: 2025-01-25. Review status: criteria provided, single submitter. Criteria: ACMG Guidelines, 2015. Collection method: clinical testing. Allele origin: germline.
Comment: The PKD1 c.6392G>T variant is predicted to result in the amino acid substitution p.Ser2131Ile. To our knowledge, this variant has not been reported in the literature or in a large population database (gnomAD), indicating this variant is rare. At this time, the clinical significance of this variant is uncertain due to the absence of conclusive functional and genetic evidence.

NM_001009944.3(PKD1):c.6392G>T (p.Ser2131Ile)

Gene: PKD1 (polycystin 1, transient receptor potential channel interacting; minus strand). Cytogenetic location: 16p13.3.
Variant type: single nucleotide variant.
Coding change: c.6392G>T on transcript NM_001009944.3 (MANE Select); coding-DNA position 6392, G replaced by T.
Protein change: p.Ser2131Ile; replaces serine 2131 with isoleucine.
Molecular consequence: missense variant.
Genome position (GRCh38, 1-based): chr16:2,108,775, C>A on the plus strand (G>T on the coding strand, the complement: PKD1 is on the minus strand). VCF-style: chr16-2108775-C-A. GRCh37 (hg19) VCF-style: chr16-2158776-C-A.
Other names: c.6392G>T, p.Ser2131Ile (NM_000296.4); short protein forms S2131I.
Identifiers: ClinVar variation 3059369 (VCV003059369.3), dbSNP rs2544803423, ClinGen allele CA394373647.